The following is an entry in ClinVar:

ClinVar aggregate classification (germline): Uncertain significance (1 of 4 stars; one submission).

Submission:

Labcorp Genetics (formerly Invitae), Labcorp
Classification: Uncertain significance. Last evaluated: 2024-12-04. Review status: criteria provided, single submitter. Criteria: Invitae Variant Classification Sherloc (09022015). Collection method: clinical testing. Allele origin: germline.
Comment: This sequence change replaces histidine, which is basic and polar, with tyrosine, which is neutral and polar, at codon 239 of the GUCY2C protein (p.His239Tyr). This variant is not present in population databases (gnomAD no frequency). This variant has not been reported in the literature in individuals affected with GUCY2C-related conditions. Invitae Evidence Modeling of protein sequence and biophysical properties (such as structural, functional, and spatial information, amino acid conservation, physicochemical variation, residue mobility, and thermodynamic stability) indicates that this missense variant is not expected to disrupt GUCY2C protein function with a negative predictive value of 80%. In summary, the available evidence is currently insufficient to determine the role of this variant in disease. Therefore, it has been classified as a Variant of Uncertain Significance.

NM_004963.4(GUCY2C):c.715C>T (p.His239Tyr)

Genes: GUCY2C (guanylate cyclase 2C; minus strand), GUCY2C-AS1 (GUCY2C antisense RNA 1; plus strand). Cytogenetic location: 12p12.3.
Variant type: single nucleotide variant.
Coding change: c.715C>T on transcript NM_004963.4 (MANE Select); coding-DNA position 715, C replaced by T.
Protein change: p.His239Tyr; replaces histidine 239 with tyrosine.
Molecular consequence: missense variant.
Genome position (GRCh38, 1-based): chr12:14,681,374, G>A on the plus strand (C>T on the coding strand, the complement: GUCY2C is on the minus strand). VCF-style: chr12-14681374-G-A. GRCh37 (hg19) VCF-style: chr12-14834308-G-A.
Other names: short protein forms H239Y.
Identifiers: ClinVar variation 3610668 (VCV003610668.2).